The following is an entry in ClinVar:

NM_000059.4(BRCA2):c.7350_7354del (p.Asn2450fs)

Gene: BRCA2 (BRCA2 DNA repair associated; plus strand). Cytogenetic location: 13q13.1.
Variant type: Deletion.
Coding change: c.7350_7354del on transcript NM_000059.4 (MANE Select); coding-DNA positions 7350 to 7354, 5 bases deleted (TGACA; older notation c.7350_7354delTGACA).
Protein change: p.Asn2450fs; shifts the reading frame from asparagine 2450.
Molecular consequence: frameshift variant.
Genome position (GRCh38, 1-based): chr13:32,355,203-32,355,207, TGACA deleted; deleting any 5 consecutive bases within chr13:32,355,202-32,355,207 gives the same sequence; the c. name uses the placement nearest the transcript's 3' end. VCF-style (leftmost placement, unchanged base first): chr13-32355201-AATGAC-A. GRCh37 (hg19) VCF-style: chr13-32929338-AATGAC-A.
Other names: c.7350_7354delTGACA (NM_000059.3); short protein forms N2450fs.
Identifiers: ClinVar variation 254601 (VCV000254601.12), dbSNP rs886038165, ClinGen allele CA10586572.

ClinVar aggregate classification (germline): Pathogenic. Review status: reviewed by expert panel (3 of 4 stars). 2 submissions from 2 submitters: Pathogenic (1). 1 of the submissions does not count toward it. Last evaluated 2016-09-08.

Conditions:
Hereditary breast ovarian cancer syndrome. Also called: Hereditary breast and ovarian cancer; Breast and ovarian cancer; Hereditary breast and/or ovarian cancer syndrome; BRCA1- and BRCA2-Associated Hereditary Breast and Ovarian Cancer; Hereditary breast and ovarian cancer syndrome; Hereditary breast and ovarian cancer syndrome (HBOC). Identifiers: Orphanet 145, MedGen C0677776, MeSH D061325, MONDO:0003582. Disease mechanism: loss of function.
Breast-ovarian cancer, familial, susceptibility to, 2 (BROVCA2). Also called: BRCA2 Hereditary Breast and Ovarian Cancer. Identifiers: Orphanet 145, MedGen C2675520, MONDO:0012933, OMIM 612555. Disease mechanism: loss of function.

Submissions (2):

Evidence-based Network for the Interpretation of Germline Mutant Alleles (ENIGMA)
Classification: Pathogenic for Breast-ovarian cancer, familial, susceptibility to, 2. Last evaluated: 2016-09-08. Review status: reviewed by expert panel. Criteria: ENIGMA BRCA1/2 Classification Criteria (2015). Collection method: curation. Allele origin: germline.
Comment: Variant allele predicted to encode a truncated non-functional protein.

Labcorp Genetics (formerly Invitae), Labcorp
Classification: Pathogenic for Hereditary breast ovarian cancer syndrome. Last evaluated: 2019-03-22. Review status: criteria provided, single submitter. Criteria: Invitae Variant Classification Sherloc (09022015). Collection method: clinical testing. Allele origin: germline. Not counted in ClinVar's aggregate classification.
Comment: This sequence change creates a premature translational stop signal (p.Asn2450Lysfs*2) in the BRCA2 gene. It is expected to result in an absent or disrupted protein product. This variant is not present in population databases (ExAC no frequency). This variant has been reported in individuals in the Leiden Open-source Variation Database (PMID: 21520333). ClinVar contains an entry for this variant (Variation ID: 254601). Loss-of-function variants in BRCA2 are known to be pathogenic (PMID: 20104584). For these reasons, this variant has been classified as Pathogenic.

Literature cited by the submitters: PubMed 21520333 (cited by Labcorp Genetics (formerly Invitae), Labcorp); PubMed 20104584 (cited by Labcorp Genetics (formerly Invitae), Labcorp).